The following is an entry in ClinVar:

NM_001160372.4(TRAPPC9):c.407C>T (p.Pro136Leu)

Gene: TRAPPC9 (trafficking protein particle complex subunit 9; minus strand). Cytogenetic location: 8q24.3.
Variant type: single nucleotide variant.
Coding change: c.407C>T on transcript NM_001160372.4 (MANE Select); coding-DNA position 407, C replaced by T.
Protein change: p.Pro136Leu; replaces proline 136 with leucine.
Molecular consequence: missense variant. On other transcripts: non-coding transcript variant (1).
Genome position (GRCh38, 1-based): chr8:140,450,967, G>A on the plus strand (C>T on the coding strand, the complement: TRAPPC9 is on the minus strand). VCF-style: chr8-140450967-G-A. GRCh37 (hg19) VCF-style: chr8-141461066-G-A.
Other names: c.407C>T, p.Pro136Leu (NM_001321646.2, NM_001374682.1, NM_001374683.1 and 2 more transcripts); short protein forms P136L.
Identifiers: ClinVar variation 4086647 (VCV004086647.1).
Genomic context (GRCh38, chr8:140,450,967, plus strand): 5'-AACAGTGACTCGATGAAGTCCTCGATTCTCTTCTCCACCGTCTGGCAGTCCTCGTAGTTG[G>A]GGTAGAAAGCCACGTCGGTGCGCGGCTGCTCCACGATCTCCCCCTGCAGCCCGAAGACAA-3'
Protein context (NP_001153844.1, residues 126-146): EQPRTDVAFY[Pro136Leu]NYEDCQTVEK

ClinVar aggregate classification (germline): Uncertain significance (1 of 4 stars; one submission).

gnomAD v4.1: 2 of 1,614,148 alleles (0.00012%); highest among the groups gnomAD compares: East Asian, 0.0022%; no homozygotes.

Submission:

GeneDx
Classification: Uncertain significance. Last evaluated: 2025-03-18. Review status: criteria provided, single submitter. Criteria: GeneDx Variant Classification Process June 2021. Collection method: clinical testing. Allele origin: germline. Affected: yes.
Comment: Not observed at significant frequency in large population cohorts (gnomAD); In silico analysis supports that this missense variant has a deleterious effect on protein structure/function; Has not been previously published as pathogenic or benign to our knowledge